The following is an entry in ClinVar:

ClinVar aggregate classification (germline): Pathogenic (1 of 4 stars; one submission).

Submission:

GeneDx
Classification: Pathogenic. Last evaluated: 2020-11-12. Review status: criteria provided, single submitter. Criteria: GeneDx Variant Classification Process June 2021. Collection method: clinical testing. Allele origin: germline. Affected: yes.
Comment: Frameshift variant predicted to result in protein truncation or nonsense mediated decay in a gene for which loss-of-function is a known mechanism of disease; Not observed in large population cohorts (Lek et al., 2016); Has not been previously published as pathogenic or benign to our knowledge

NM_001348716.2(KDM6B):c.2164dup (p.Gln722fs)

Gene: KDM6B (lysine demethylase 6B; plus strand). Cytogenetic location: 17p13.1.
Variant type: Duplication.
Coding change: c.2164dup on transcript NM_001348716.2 (MANE Select); coding-DNA position 2164, one base duplicated (C; older notation c.2164dupC).
Protein change: p.Gln722fs; shifts the reading frame from glutamine 722.
Molecular consequence: frameshift variant.
Genome position (GRCh38, 1-based): chr17:7,848,452, C duplicated; the last of 6 consecutive C bases (chr17:7,848,447-7,848,452); duplicating any one gives the same sequence. VCF-style (leftmost placement, unchanged base first): chr17-7848446-G-GC. GRCh37 (hg19) VCF-style: chr17-7751764-G-GC.
Other names: c.2164dup, p.Gln722fs (NM_001080424.2); short protein forms Q722fs.
Identifiers: ClinVar variation 1186711 (VCV001186711.2), dbSNP rs748243814, ClinGen allele CA8360817.